The following is an entry in ClinVar:

ClinVar aggregate classification (germline): Likely pathogenic (1 of 4 stars; one submission).

Submission:

Labcorp Genetics (formerly Invitae), Labcorp
Classification: Likely pathogenic. Last evaluated: 2022-04-08. Review status: criteria provided, single submitter. Criteria: Invitae Variant Classification Sherloc (09022015). Collection method: clinical testing. Allele origin: germline.
Comment: In summary, the currently available evidence indicates that the variant is pathogenic, but additional data are needed to prove that conclusively. Therefore, this variant has been classified as Likely Pathogenic. This variant disrupts the p.Ser1605 amino acid residue in MYO7A. Other variant(s) that disrupt this residue have been observed in individuals with MYO7A-related conditions (PMID: 27460420), which suggests that this may be a clinically significant amino acid residue. Advanced modeling of protein sequence and biophysical properties (such as structural, functional, and spatial information, amino acid conservation, physicochemical variation, residue mobility, and thermodynamic stability) performed at Invitae indicates that this missense variant is expected to disrupt MYO7A protein function. This missense change has been observed in individual(s) with Usher syndrome (PMID: 28944237). In at least one individual the data is consistent with being in trans (on the opposite chromosome) from a pathogenic variant. This variant is not present in population databases (gnomAD no frequency). This sequence change replaces serine, which is neutral and polar, with tyrosine, which is neutral and polar, at codon 1605 of the MYO7A protein (p.Ser1605Tyr).

Literature cited by the submitters: PubMed 27460420; PubMed 28944237.

NM_000260.4(MYO7A):c.4814C>A (p.Ser1605Tyr)

Gene: MYO7A (myosin VIIA; plus strand). Cytogenetic location: 11q13.5.
Variant type: single nucleotide variant.
Coding change: c.4814C>A on transcript NM_000260.4 (MANE Select); coding-DNA position 4814, C replaced by A.
Protein change: p.Ser1605Tyr; replaces serine 1605 with tyrosine.
Molecular consequence: missense variant.
Genome position (GRCh38, 1-based): chr11:77,199,780, C>A. VCF-style: chr11-77199780-C-A. GRCh37 (hg19) VCF-style: chr11-76910825-C-A.
Other names: c.4700C>A, p.Ser1567Tyr (NM_001127180.2); c.4667C>A, p.Ser1556Tyr (NM_001369365.1); short protein forms S1605Y, S1556Y, S1567Y.
Identifiers: ClinVar variation 2137208 (VCV002137208.4), dbSNP rs1956934694, ClinGen allele CA381950985.